The following is an entry in ClinVar:

NM_004963.4(GUCY2C):c.2381A>T (p.Asp794Val)

Gene: GUCY2C (guanylate cyclase 2C; minus strand). Cytogenetic location: 12p12.3.
Variant type: single nucleotide variant.
Coding change: c.2381A>T on transcript NM_004963.4 (MANE Select); coding-DNA position 2381, A replaced by T.
Protein change: p.Asp794Val; replaces aspartic acid 794 with valine.
Molecular consequence: missense variant.
Genome position (GRCh38, 1-based): chr12:14,625,784, T>A on the plus strand (A>T on the coding strand, the complement: GUCY2C is on the minus strand). VCF-style: chr12-14625784-T-A. GRCh37 (hg19) VCF-style: chr12-14778718-T-A.
Other names: short protein forms D794V.
Identifiers: ClinVar variation 1037779 (VCV001037779.8), dbSNP rs1947001391, ClinGen allele CA383997144.
Genomic context (GRCh38, chr12:14,625,784, plus strand): 5'-TTTCAGCCTCCACATCAGCAAGGCTTGCCTTACCTTGGAAGCAACATAAAGTTAAGTCTG[T>A]CAGCCCTGTCCCTCTCTGCCTTGTACAGCTGTGTCCTTTCCTCTACCAGATGTTCCAGGT-3'
Protein context (NP_004954.2, residues 784-804): QLYKAERDRA[Asp794Val]RLNFMLLPRL

ClinVar aggregate classification (germline): Pathogenic (1 of 4 stars; one submission).

Submission:

Labcorp Genetics (formerly Invitae), Labcorp
Classification: Pathogenic. Last evaluated: 2025-05-01. Review status: criteria provided, single submitter. Criteria: Invitae Variant Classification Sherloc (09022015). Collection method: clinical testing. Allele origin: germline.
Comment: This sequence change replaces aspartic acid, which is acidic and polar, with valine, which is neutral and non-polar, at codon 794 of the GUCY2C protein (p.Asp794Val). This variant is not present in population databases (gnomAD no frequency). This missense change has been observed in individual(s) with clinical features of autosomal dominant GUCY2C-related conditions (PMID: 33949097). It has also been observed to segregate with disease in related individuals. ClinVar contains an entry for this variant (Variation ID: 1037779). Invitae Evidence Modeling of protein sequence and biophysical properties (such as structural, functional, and spatial information, amino acid conservation, physicochemical variation, residue mobility, and thermodynamic stability) indicates that this missense variant is expected to disrupt GUCY2C protein function with a positive predictive value of 80%. Experimental studies have shown that this missense change affects GUCY2C function (PMID: 33949097). For these reasons, this variant has been classified as Pathogenic.

Literature cited by the submitters: PubMed 33949097.